The following is an entry in ClinVar:

ClinVar aggregate classification (germline): Benign/Likely benign. Review status: criteria provided, multiple submitters, no conflicts (2 of 4 stars). 5 submissions from 4 submitters: Benign (2); Likely benign (2). 1 of the submissions does not count toward it. Last evaluated 2025-12-08.

Conditions:
MYH3-related disorder. Also called: MYH3-Related Disorders; MYH3-related condition. Identifiers: MedGen CN239329.
Distal arthrogryposis type 2B1 (DA2B1). Also called: Arthrogryposis multiplex congenita distal type II with craniofacial abnormalities. Identifiers: Orphanet 1147, MedGen C5193014, MONDO:0020820, OMIM 601680.
Freeman-Sheldon syndrome (DA2A). Also called: CRANIOCARPOTARSAL DYSPLASIA; CRANIOCARPOTARSAL DYSTROPHY; WHISTLING FACE-WINDMILL VANE HAND SYNDROME; Arthrogryposis, distal, type 2A (Freeman-Sheldon). Identifiers: Orphanet 2053, MedGen C0265224, MONDO:0008675, OMIM 193700.

Allele frequency attached by ClinVar (database versions not stated): gnomAD exomes 0.00005 and 0.00012; ExAC 0.00017; ESP Exome Variant Server 0.00031; TOPMed 0.00048; gnomAD 0.00061 and 0.00063; 1000 Genomes Project 30x 0.00094; 1000 Genomes Project 0.00120.

Submissions (5):

Labcorp Genetics (formerly Invitae), Labcorp
Classification: Benign. Last evaluated: 2025-12-08. Review status: criteria provided, single submitter. Criteria: Invitae Variant Classification Sherloc (09022015). Collection method: clinical testing. Allele origin: germline.

Blueprint Genetics
Classification: Likely benign. Last evaluated: 2024-06-28. Review status: criteria provided, single submitter. Criteria: ACMG Guidelines, 2015. Collection method: clinical testing. Allele origin: germline.

Illumina Laboratory Services, Illumina
Classification: Benign for Freeman-Sheldon syndrome. Last evaluated: 2018-01-13. Review status: criteria provided, single submitter. Criteria: ICSL Variant Classification Criteria 13 December 2019. Collection method: clinical testing. Allele origin: germline.
Comment: This variant was observed in the ICSL laboratory as part of a predisposition screen in an ostensibly healthy population. It had not been previously curated by ICSL or reported in the Human Gene Mutation Database (HGMD: prior to June 1st, 2018), and was therefore a candidate for classification through an automated scoring system. Utilizing variant allele frequency, disease prevalence and penetrance estimates, and inheritance mode, an automated score was calculated to assess if this variant is too frequent to cause the disease. Based on the score and internal cut-off values, a variant classified as benign is not then subjected to further curation. The score for this variant resulted in a classification of benign for this disease.

Illumina Laboratory Services, Illumina
Classification: Likely benign for Distal arthrogryposis type 2B1. Last evaluated: 2018-01-13. Review status: criteria provided, single submitter. Criteria: ICSL Variant Classification Criteria 13 December 2019. Collection method: clinical testing. Allele origin: germline.
Comment: This variant was observed in the ICSL laboratory as part of a predisposition screen in an ostensibly healthy population. It had not been previously curated by ICSL or reported in the Human Gene Mutation Database (HGMD: prior to June 1st, 2018), and was therefore a candidate for classification through an automated scoring system. Utilizing variant allele frequency, disease prevalence and penetrance estimates, and inheritance mode, an automated score was calculated to assess if this variant is too frequent to cause the disease. Based on the score and internal cut-off values, a variant classified as likely benign is not then subjected to further curation. The score for this variant resulted in a classification of likely benign for this disease.

PreventionGenetics, part of Exact Sciences
Classification: Likely benign for MYH3-related condition. Last evaluated: 2022-04-06. Review status: no assertion criteria provided. Collection method: clinical testing. Allele origin: germline. Not counted in ClinVar's aggregate classification.
Comment: This variant is classified as likely benign based on ACMG/AMP sequence variant interpretation guidelines (Richards et al. 2015 PMID: 25741868, with internal and published modifications).

NM_002470.4(MYH3):c.3612T>C (p.Leu1204=)

Gene: MYH3 (myosin heavy chain 3; minus strand). Cytogenetic location: 17p13.1.
Variant type: single nucleotide variant.
Coding change: c.3612T>C on transcript NM_002470.4 (MANE Select); coding-DNA position 3612, T replaced by C.
Protein change: p.Leu1204=; no amino-acid change (leucine 1204 retained).
Molecular consequence: synonymous variant.
Genome position (GRCh38, 1-based): chr17:10,638,160, A>G on the plus strand (T>C on the coding strand, the complement: MYH3 is on the minus strand). VCF-style: chr17-10638160-A-G. GRCh37 (hg19) VCF-style: chr17-10541477-A-G.
Identifiers: ClinVar variation 321733 (VCV000321733.15), dbSNP rs146773743, ClinGen allele CA8392463.